The following is an entry in ClinVar:

NM_001377.3(DYNC2H1):c.8198-3T>C

Gene: DYNC2H1 (dynein cytoplasmic 2 heavy chain 1; plus strand). Cytogenetic location: 11q22.3.
Variant type: single nucleotide variant.
Coding change: c.8198-3T>C on transcript NM_001377.3 (MANE Select); 3 bases into the intron before coding-DNA position 8198, T replaced by C.
Molecular consequence: intron variant.
Genome position (GRCh38, 1-based): chr11:103,203,660, T>C. VCF-style: chr11-103203660-T-C. GRCh37 (hg19) VCF-style: chr11-103074389-T-C.
Other names: c.8198-3T>C (NM_001080463.2).
Identifiers: ClinVar variation 2145292 (VCV002145292.1), dbSNP rs1862805143, ClinGen allele CA941663012.

ClinVar aggregate classification (germline): Uncertain significance (1 of 4 stars; one submission).

Conditions:
Jeune thoracic dystrophy. Also called: Jeune syndrome; Infantile thoracic dystrophy; Thoracic pelvic phalangeal dystrophy; Jeune's syndrome; Chondroectodermal dysplasia-like syndrome; Short-rib thoracic dysplasia. Identifiers: Orphanet 474, MedGen C0265275, MONDO:0018770.

Allele frequency attached by ClinVar (database versions not stated): gnomAD 0.00001; TOPMed 0.00002.
gnomAD v4.1: 1 of 1,563,238 alleles (0.000064%); highest among the groups gnomAD compares: Admixed American, 0.0019%; no homozygotes.

Submission:

Labcorp Genetics (formerly Invitae), Labcorp
Classification: Uncertain significance for Jeune thoracic dystrophy. Last evaluated: 2022-02-11. Review status: criteria provided, single submitter. Criteria: Invitae Variant Classification Sherloc (09022015). Collection method: clinical testing. Allele origin: germline.
Comment: This sequence change falls in intron 50 of the DYNC2H1 gene. It does not directly change the encoded amino acid sequence of the DYNC2H1 protein. It affects a nucleotide within the consensus splice site. This variant is not present in population databases (gnomAD no frequency). This variant has not been reported in the literature in individuals affected with DYNC2H1-related conditions. Variants that disrupt the consensus splice site are a relatively common cause of aberrant splicing (PMID: 17576681, 9536098). Algorithms developed to predict the effect of sequence changes on RNA splicing suggest that this variant is not likely to affect RNA splicing. In summary, the available evidence is currently insufficient to determine the role of this variant in disease. Therefore, it has been classified as a Variant of Uncertain Significance.

Literature cited by the submitters: PubMed 17576681; PubMed 9536098.